The following is an entry in ClinVar:

NM_001193313.2(SUGCT):c.247A>G (p.Thr83Ala)

Gene: SUGCT (succinyl-CoA:glutarate-CoA transferase; plus strand). Cytogenetic location: 7p14.1.
Variant type: single nucleotide variant.
Coding change: c.247A>G on transcript NM_001193313.2 (MANE Select); coding-DNA position 247, A replaced by G.
Protein change: p.Thr83Ala; replaces threonine 83 with alanine.
Molecular consequence: missense variant.
Genome position (GRCh38, 1-based): chr7:40,188,515, A>G. VCF-style: chr7-40188515-A-G. GRCh37 (hg19) VCF-style: chr7-40228114-A-G.
Other names: c.247A>G, p.Thr83Ala (NM_001193311.2, NM_001193312.2, NM_024728.3); c.268A>G (NM_024728.2); short protein forms T83A.
Identifiers: ClinVar variation 1447217 (VCV001447217.9), dbSNP rs747590282, ClinGen allele CA157719135.

ClinVar aggregate classification (germline): Uncertain significance. Review status: criteria provided, multiple submitters, no conflicts (2 of 4 stars). 2 submissions from 2 submitters: Uncertain significance (2). Last evaluated 2025-03-10.

Allele frequency attached by ClinVar (database versions not stated): gnomAD exomes below 0.00001 and 0.00002; gnomAD 0.00002; TOPMed 0.00002.
gnomAD v4.1: 26 of 1,610,008 alleles (0.0016%); highest among the groups gnomAD compares: Non-Finnish European, 0.0021%; no homozygotes.

Submissions (2):

Ambry Genetics
Classification: Uncertain significance. Last evaluated: 2025-03-10. Review status: criteria provided, single submitter. Criteria: Ambry Variant Classification Scheme 2023. Collection method: clinical testing. Allele origin: germline.

Labcorp Genetics (formerly Invitae), Labcorp
Classification: Uncertain significance. Last evaluated: 2021-06-22. Review status: criteria provided, single submitter. Criteria: Invitae Variant Classification Sherloc (09022015). Collection method: clinical testing. Allele origin: germline.
Comment: In summary, the available evidence is currently insufficient to determine the role of this variant in disease. Therefore, it has been classified as a Variant of Uncertain Significance. Algorithms developed to predict the effect of missense changes on protein structure and function output the following: SIFT: "Tolerated"; PolyPhen-2: "Not Available"; Align-GVGD: "Class C0". The alanine amino acid residue is found in multiple mammalian species, suggesting that this missense change does not adversely affect protein function. These predictions have not been confirmed by published functional studies and their clinical significance is uncertain. This variant has not been reported in the literature in individuals with SUGCT-related conditions. This sequence change replaces threonine with alanine at codon 90 of the SUGCT protein (p.Thr90Ala). The threonine residue is moderately conserved and there is a small physicochemical difference between threonine and alanine. This variant is not present in population databases (ExAC no frequency).